The following is an entry in ClinVar:

NM_005445.4(SMC3):c.1373T>C (p.Val458Ala)

Gene: SMC3 (structural maintenance of chromosomes 3; plus strand). Cytogenetic location: 10q25.2.
Variant type: single nucleotide variant.
Coding change: c.1373T>C on transcript NM_005445.4 (MANE Select); coding-DNA position 1373, T replaced by C.
Protein change: p.Val458Ala; replaces valine 458 with alanine.
Molecular consequence: missense variant.
Genome position (GRCh38, 1-based): chr10:110,589,672, T>C. VCF-style: chr10-110589672-T-C. GRCh37 (hg19) VCF-style: chr10-112349430-T-C.
Other names: short protein forms V458A.
Identifiers: ClinVar variation 1706332 (VCV001706332.2), dbSNP rs1861177403, ClinGen allele CA378387237.

ClinVar aggregate classification (germline): Uncertain significance (1 of 4 stars; one submission).

Allele frequency attached by ClinVar (database versions not stated): gnomAD exomes below 0.00001; gnomAD 0.00001.
gnomAD v4.1: 5 of 1,609,430 alleles (0.00031%); highest among the groups gnomAD compares: Middle Eastern, 0.05%; no homozygotes.

Submission:

GeneDx
Classification: Uncertain significance. Last evaluated: 2022-03-14. Review status: criteria provided, single submitter. Criteria: GeneDx Variant Classification Process June 2021. Collection method: clinical testing. Allele origin: germline. Affected: yes.
Comment: Not observed at significant frequency in large population cohorts (gnomAD); In silico analysis supports that this missense variant does not alter protein structure/function; Has not been previously published as pathogenic or benign to our knowledge